The following is an entry in ClinVar:

NM_004260.4(RECQL4):c.2058+1G>A

Gene: RECQL4 (RecQ like helicase 4; minus strand). Cytogenetic location: 8q24.3.
Variant type: single nucleotide variant.
Coding change: c.2058+1G>A on transcript NM_004260.4 (MANE Select); the canonical splice donor site of the intron after coding-DNA position 2058, G replaced by A.
Molecular consequence: splice donor variant.
Genome position (GRCh38, 1-based): chr8:144,513,927, C>T on the plus strand (G>A on the coding strand, the complement: RECQL4 is on the minus strand). VCF-style: chr8-144513927-C-T. GRCh37 (hg19) VCF-style: chr8-145739311-C-T.
Other names: c.1929+1G>A (NM_001413025.1); c.1707+1G>A (NM_001413029.1); c.921+1G>A (NM_001413032.1, NM_001413027.1, NM_001413030.1 and 1 more transcripts); c.987+1G>A (NM_001413035.1, NM_001413040.1, NM_001413021.1 and 6 more transcripts); c.1962+1G>A (NM_001413017.1, NM_001413020.1); c.2028+1G>A (NM_001413039.1); c.1926+1G>A (NM_001413033.1); c.2058+1G>A (NM_001413018.1, NM_001413036.1, NM_001413019.1); and 4 more.
Identifiers: ClinVar variation 4741331 (VCV004741331.1).
Genomic context (GRCh38, chr8:144,513,927, plus strand): 5'-GGGTCGGCGTGGGCAGTCAGCAGCCAGGGCCCTGCAGGGTCCCCAGAGCACACACACCCA[C>T]CTGGTCTGTGTCCCTGTCCATGGACACGGAAAGGTGCAGGTTGGTGGGAACTGGGGCTGG-3'

ClinVar aggregate classification (germline): Likely pathogenic (1 of 4 stars; one submission).

Conditions:
Baller-Gerold syndrome (BGS). Also called: CRANIOSYNOSTOSIS WITH RADIAL DEFECTS. Identifiers: Orphanet 1225, MedGen C0265308, MONDO:0009039, OMIM 218600.

Submission:

Labcorp Genetics (formerly Invitae), Labcorp
Classification: Likely pathogenic for Baller-Gerold syndrome. Last evaluated: 2025-02-09. Review status: criteria provided, single submitter. Criteria: Invitae Variant Classification Sherloc (09022015). Collection method: clinical testing. Allele origin: germline.
Comment: This sequence change affects a donor splice site in intron 12 of the RECQL4 gene. It is expected to disrupt RNA splicing. Variants that disrupt the donor or acceptor splice site typically lead to a loss of protein function (PMID: 16199547), and loss-of-function variants in RECQL4 are known to be pathogenic (PMID: 12734318, 12952869). This variant is not present in population databases (gnomAD no frequency). This variant has not been reported in the literature in individuals affected with RECQL4-related conditions. Algorithms developed to predict the effect of sequence changes on RNA splicing suggest that this variant may disrupt the consensus splice site. In summary, the currently available evidence indicates that the variant is pathogenic, but additional data are needed to prove that conclusively. Therefore, this variant has been classified as Likely Pathogenic.

Literature cited by the submitters: PubMed 16199547; PubMed 12734318; PubMed 12952869.